The following is an entry in ClinVar:

ClinVar aggregate classification (germline): Uncertain significance (1 of 4 stars; one submission).

Conditions:
Inborn genetic diseases. Identifiers: MedGen C0950123, MeSH D030342.

Allele frequency attached by ClinVar (database versions not stated): TOPMed 0.00003; ExAC 0.00002; gnomAD 0.00004.
gnomAD v4.1: 8 of 1,614,070 alleles (0.0005%); highest among the groups gnomAD compares: African/African-American, 0.011%; no homozygotes.

Submission:

Ambry Genetics
Classification: Uncertain significance for Inborn genetic diseases. Last evaluated: 2026-03-31. Review status: criteria provided, single submitter. Criteria: Ambry Variant Classification Scheme 2023. Collection method: clinical testing. Allele origin: germline.
Comment: The c.1381A>T (p.I461F) alteration is located in exon 15 (coding exon 15) of the PRPF19 gene. This alteration results from a A to T substitution at nucleotide position 1381, causing the isoleucine (I) at amino acid position 461 to be replaced by a phenylalanine (F). Based on data from gnomAD, the T allele has an overall frequency of 0.001% (4/282862) total alleles studied. The highest observed frequency was 0.016% (4/24958) of African alleles. Based on insufficient or conflicting evidence, the clinical significance of this alteration remains unclear.

NM_014502.5(PRPF19):c.1381A>T (p.Ile461Phe)

Gene: PRPF19 (pre-mRNA processing factor 19; minus strand). Cytogenetic location: 11q12.2.
Variant type: single nucleotide variant.
Coding change: c.1381A>T on transcript NM_014502.5 (MANE Select); coding-DNA position 1381, A replaced by T.
Protein change: p.Ile461Phe; replaces isoleucine 461 with phenylalanine.
Molecular consequence: missense variant.
Genome position (GRCh38, 1-based): chr11:60,897,882, T>A on the plus strand (A>T on the coding strand, the complement: PRPF19 is on the minus strand). VCF-style: chr11-60897882-T-A. GRCh37 (hg19) VCF-style: chr11-60665354-T-A.
Other names: short protein forms I461F.
Identifiers: ClinVar variation 2609768 (VCV002609768.3), dbSNP rs759650877, ClinGen allele CA6027816.